The following is an entry in ClinVar:

ClinVar aggregate classification (germline): Uncertain significance (1 of 4 stars; one submission).

Conditions:
Developmental and epileptic encephalopathy, 1 (DEE1). Also called: X-linked infantile spasms; West's syndrome; Tonic spasms with clustering, arrest of psychomotor development and hypsarrhythmia on EEG; X-Linked Infantile Spasm Syndrome; OHTAHARA SYNDROME, X-LINKED; INFANTILE SPASM SYNDROME, X-LINKED 1. Identifiers: MedGen C3463992, MONDO:0010632, OMIM 308350. Disease mechanism: loss of function.
Autosomal dominant nonsyndromic hearing loss 65. Also called: TBC1D24-Related Autosomal Dominant Nonsyndromic Hearing Loss (DFNA); Deafness, autosomal dominant 65. Identifiers: Orphanet 90635, MedGen C3892048, MONDO:0014470, OMIM 616044.

Allele frequency attached by ClinVar (database versions not stated): gnomAD exomes below 0.00001.
gnomAD v4.1: 1 of 1,609,264 alleles (0.000062%); highest among the groups gnomAD compares: Non-Finnish European, 0.000085%; no homozygotes.

Submission:

Labcorp Genetics (formerly Invitae), Labcorp
Classification: Uncertain significance for Developmental and epileptic encephalopathy, 1; Autosomal dominant nonsyndromic hearing loss 65. Last evaluated: 2025-10-16. Review status: criteria provided, single submitter. Criteria: Invitae Variant Classification Sherloc (09022015). Collection method: clinical testing. Allele origin: germline.
Comment: This sequence change replaces serine, which is neutral and polar, with asparagine, which is neutral and polar, at codon 145 of the TBC1D24 protein (p.Ser145Asn). This variant is not present in population databases (gnomAD no frequency). This variant has not been reported in the literature in individuals affected with TBC1D24-related conditions. ClinVar contains an entry for this variant (Variation ID: 1351796). Invitae Evidence Modeling of protein sequence and biophysical properties (such as structural, functional, and spatial information, amino acid conservation, physicochemical variation, residue mobility, and thermodynamic stability) indicates that this missense variant is expected to disrupt TBC1D24 protein function with a positive predictive value of 95%. In summary, the available evidence is currently insufficient to determine the role of this variant in disease. Therefore, it has been classified as a Variant of Uncertain Significance.

NM_001199107.2(TBC1D24):c.434G>A (p.Ser145Asn)

Gene: TBC1D24 (TBC1 domain family member 24; plus strand). Cytogenetic location: 16p13.3.
Variant type: single nucleotide variant.
Coding change: c.434G>A on transcript NM_001199107.2 (MANE Select); coding-DNA position 434, G replaced by A.
Protein change: p.Ser145Asn; replaces serine 145 with asparagine.
Molecular consequence: missense variant.
Genome position (GRCh38, 1-based): chr16:2,496,582, G>A. VCF-style: chr16-2496582-G-A. GRCh37 (hg19) VCF-style: chr16-2546583-G-A.
Other names: c.434G>A, p.Ser145Asn (NM_020705.3); short protein forms S145N.
Identifiers: ClinVar variation 1351796 (VCV001351796.6), dbSNP rs2141871675, ClinGen allele CA394375983.